The following is an entry in ClinVar:

NM_001130823.3(DNMT1):c.341G>A (p.Arg114Lys)

Gene: DNMT1 (DNA methyltransferase 1; minus strand). Cytogenetic location: 19p13.2.
Variant type: single nucleotide variant.
Coding change: c.341G>A on transcript NM_001130823.3 (MANE Select); coding-DNA position 341, G replaced by A.
Protein change: p.Arg114Lys; replaces arginine 114 with lysine.
Molecular consequence: missense variant. On other transcripts: 5 prime UTR variant (1).
Genome position (GRCh38, 1-based): chr19:10,180,454, C>T on the plus strand (G>A on the coding strand, the complement: DNMT1 is on the minus strand). VCF-style: chr19-10180454-C-T. GRCh37 (hg19) VCF-style: chr19-10291130-C-T.
Other names: c.341G>A (LRG_362t1); c.341G>A, p.Arg114Lys (NM_001318730.2, NM_001379.4); c.-23G>A (NM_001318731.2); short protein forms R114K.
Identifiers: ClinVar variation 246305 (VCV000246305.13), dbSNP rs554894511, ClinGen allele CA9188790.

ClinVar aggregate classification (germline): Uncertain significance. Review status: criteria provided, multiple submitters, no conflicts (2 of 4 stars). 3 submissions from 3 submitters: Uncertain significance (3). Last evaluated 2025-07-14.

Conditions:
Inborn genetic diseases. Identifiers: MedGen C0950123, MeSH D030342.
Hereditary sensory neuropathy-deafness-dementia syndrome. Also called: HSN IE; Hereditary sensory neuropathy type IE; NEUROPATHY, HEREDITARY SENSORY, WITH HEARING LOSS AND DEMENTIA; Hereditary Sensory and Autonomic Neuropathy Type 1E (HSAN1E). Identifiers: Orphanet 456318, MedGen C3279885, MONDO:0013584, OMIM 614116.

Allele frequency attached by ClinVar (database versions not stated): gnomAD 0.00001; gnomAD exomes 0.00001; TOPMed 0.00001; ExAC 0.00002; 1000 Genomes Project 0.00020.
gnomAD v4.1: 20 of 1,614,058 alleles (0.0012%); highest among the groups gnomAD compares: Non-Finnish European, 0.0017%; no homozygotes.

Submissions (3):

Labcorp Genetics (formerly Invitae), Labcorp
Classification: Uncertain significance for Hereditary sensory neuropathy-deafness-dementia syndrome. Last evaluated: 2025-07-14. Review status: criteria provided, single submitter. Criteria: Invitae Variant Classification Sherloc (09022015). Collection method: clinical testing. Allele origin: germline.
Comment: This sequence change replaces arginine, which is basic and polar, with lysine, which is basic and polar, at codon 114 of the DNMT1 protein (p.Arg114Lys). This variant is present in population databases (rs554894511, gnomAD 0.003%). This variant has not been reported in the literature in individuals affected with DNMT1-related conditions. ClinVar contains an entry for this variant (Variation ID: 246305). An algorithm developed to predict the effect of missense changes on protein structure and function (PolyPhen-2) suggests that this variant is likely to be tolerated. In summary, the available evidence is currently insufficient to determine the role of this variant in disease. Therefore, it has been classified as a Variant of Uncertain Significance.

GeneDx
Classification: Uncertain significance. Last evaluated: 2024-07-23. Review status: criteria provided, single submitter. Criteria: GeneDx Variant Classification Process June 2021. Collection method: clinical testing. Allele origin: germline. Affected: yes.
Comment: Not observed at significant frequency in large population cohorts (gnomAD); In silico analysis indicates that this missense variant does not alter protein structure/function; Has not been previously published as pathogenic or benign to our knowledge

Ambry Genetics
Classification: Uncertain significance for Inborn genetic diseases. Last evaluated: 2020-02-19. Review status: criteria provided, single submitter. Criteria: Ambry Variant Classification Scheme 2023. Collection method: clinical testing. Allele origin: germline.
Comment: The p.R114K variant (also known as c.341G>A), located in coding exon 4 of the DNMT1 gene, results from a G to A substitution at nucleotide position 341. The arginine at codon 114 is replaced by lysine, an amino acid with highly similar properties. This amino acid position is poorly conserved in available vertebrate species. In addition, this alteration is predicted to be tolerated by in silico analysis. Since supporting evidence is limited at this time, the clinical significance of this alteration remains unclear.